The following is an entry in ClinVar:

NM_178857.6(RP1L1):c.351C>T (p.Gly117=)

Gene: RP1L1 (RP1 like 1). Cytogenetic location: 8p23.1.
Variant type: single nucleotide variant.
Coding change: c.351C>T on transcript NM_178857.6 (MANE Select); coding-DNA position 351, C replaced by T.
Protein change: p.Gly117=; no amino-acid change (glycine 117 retained).
Molecular consequence: synonymous variant.
Genome position (GRCh38, 1-based): chr8:10,622,851, G>A on the plus strand (C>T on the coding strand, the complement: RP1L1 is on the minus strand). VCF-style: chr8-10622851-G-A. GRCh37 (hg19) VCF-style: chr8-10480361-G-A.
Other names: c.351C>T (NM_178857.5).
Identifiers: ClinVar variation 1419079 (VCV001419079.10), dbSNP rs367964647, ClinGen allele CA4625745.

ClinVar aggregate classification (germline): Likely benign. Review status: criteria provided, multiple submitters, no conflicts (2 of 4 stars). 3 submissions from 3 submitters: Likely benign (3). Last evaluated 2026-01-26.

Conditions:
RP1L1-related disorder. Also called: RP1L1-related condition.

Allele frequency attached by ClinVar (database versions not stated): gnomAD exomes 0.00004 and 0.00007; TOPMed 0.00004; ExAC 0.00006; gnomAD 0.00006; ESP Exome Variant Server 0.00017.
gnomAD v4.1: 120 of 1,612,820 alleles (0.0074%); highest among the groups gnomAD compares: East Asian, 0.022%; no homozygotes.

Submissions (3):

Labcorp Genetics (formerly Invitae), Labcorp
Classification: Likely benign. Last evaluated: 2026-01-26. Review status: criteria provided, single submitter. Criteria: Invitae Variant Classification Sherloc (09022015). Collection method: clinical testing. Allele origin: germline.

PreventionGenetics, part of Exact Sciences
Classification: Likely benign for RP1L1-related condition. Last evaluated: 2024-12-13. Review status: criteria provided, single submitter. Criteria: ACMG Guidelines, 2015. Collection method: clinical testing. Allele origin: germline.
Comment: This variant is classified as likely benign based on ACMG/AMP sequence variant interpretation guidelines (Richards et al. 2015 PMID: 25741868, with internal and published modifications).

Blueprint Genetics
Classification: Likely benign. Last evaluated: 2024-02-26. Review status: criteria provided, single submitter. Criteria: ACMG Guidelines, 2015. Collection method: clinical testing. Allele origin: germline.